The following is an entry in ClinVar:

NM_014795.4(ZEB2):c.1196del (p.Asp399fs)

Gene: ZEB2 (zinc finger E-box binding homeobox 2; minus strand). Cytogenetic location: 2q22.3.
Variant type: Deletion.
Coding change: c.1196del on transcript NM_014795.4 (MANE Select); coding-DNA position 1196, one base deleted (A; older notation c.1196delA).
Protein change: p.Asp399fs; shifts the reading frame from aspartic acid 399.
Molecular consequence: frameshift variant.
Genome position (GRCh38, 1-based): chr2:144,399,991, T deleted on the plus strand (A on the coding strand, the reverse complement: ZEB2 is on the minus strand). VCF-style (leftmost placement, unchanged base first): chr2-144399990-GT-G. GRCh37 (hg19) VCF-style: chr2-145157557-GT-G.
Other names: c.1124del, p.Asp375fs (NM_001171653.2); short protein forms D375fs, D399fs.
Identifiers: ClinVar variation 4294529 (VCV004294529.1).

ClinVar aggregate classification (germline): Pathogenic (1 of 4 stars; one submission).

Conditions:
Mowat-Wilson syndrome (MOWS). Also called: Classic Mowat-Wilson Syndrome. Identifiers: Orphanet 2152, MedGen C1856113, MONDO:0009341, OMIM 235730.

Submission:

Molecular Genetics Department, Kulakov National Medical Research Center for Obstetrics, Gynecology and Perinatology
Classification: Pathogenic for Mowat-Wilson syndrome. Review status: criteria provided, single submitter. Criteria: ACMG Guidelines, 2015. Collection method: clinical testing. Allele origin: de novo. Affected: yes. Observed: 1 variant allele.
Comment: A previously undescribed heterozygous nucleotide variant creates a frameshift p.Asp399AlafsTer18 in the ZEB2 gene. Heterozygous variants are reported in patients with Mowat-Wilson syndrome, 235730. The variant is not present in population database (gnomAD no frequency). Sanger sequencing revealed that the variant arose de novo (parentage confirmed). In summary, this variant has been classified as pathogenic.